The following is an entry in ClinVar:

ClinVar aggregate classification (germline): Uncertain significance (1 of 4 stars; one submission).

Conditions:
Developmental and epileptic encephalopathy, 42 (DEE42A). Also called: DEVELOPMENTAL AND EPILEPTIC ENCEPHALOPATHY 42A; EPILEPTIC ENCEPHALOPATHY, EARLY INFANTILE, 42A; Epileptic encephalopathy, early infantile, 42. Identifiers: MedGen C4310716, MONDO:0014917, OMIM 617106.
Episodic ataxia type 2 (EA2). Also called: ATAXIA, EPISODIC, WITH NYSTAGMUS; ATAXIA, FAMILIAL PAROXYSMAL; CEREBELLAR ATAXIA, PAROXYSMAL, ACETAZOLAMIDE-RESPONSIVE; ACETAZOLAMIDE-RESPONSIVE HEREDITARY PAROXYSMAL CEREBELLAR ATAXIA; CEREBELLOPATHY, HEREDITARY PAROXYSMAL; EPISODIC ATAXIA, NYSTAGMUS-ASSOCIATED. Identifiers: Orphanet 97, MedGen C1720416, MONDO:0007163, OMIM 108500.

gnomAD v4.1: 1 of 1,519,434 alleles (0.000066%); highest among the groups gnomAD compares: South Asian, 0.0012%; no homozygotes.

Submission:

Labcorp Genetics (formerly Invitae), Labcorp
Classification: Uncertain significance for Developmental and epileptic encephalopathy, 42; Episodic ataxia type 2. Last evaluated: 2022-09-01. Review status: criteria provided, single submitter. Criteria: Invitae Variant Classification Sherloc (09022015). Collection method: clinical testing. Allele origin: germline.
Comment: ClinVar contains an entry for this variant (Variation ID: 953701). Advanced modeling of protein sequence and biophysical properties (such as structural, functional, and spatial information, amino acid conservation, physicochemical variation, residue mobility, and thermodynamic stability) performed at Invitae indicates that this missense variant is not expected to disrupt CACNA1A protein function. In summary, the available evidence is currently insufficient to determine the role of this variant in disease. Therefore, it has been classified as a Variant of Uncertain Significance. This sequence change replaces proline, which is neutral and non-polar, with arginine, which is basic and polar, at codon 997 of the CACNA1A protein (p.Pro997Arg). This variant is not present in population databases (gnomAD no frequency). This variant has not been reported in the literature in individuals affected with CACNA1A-related conditions.

NM_001127222.2(CACNA1A):c.2987C>G (p.Pro996Arg)

Gene: CACNA1A (calcium voltage-gated channel subunit alpha1 A; minus strand). Cytogenetic location: 19p13.13.
Variant type: single nucleotide variant.
Coding change: c.2987C>G on transcript NM_001127222.2 (MANE Select); coding-DNA position 2987, C replaced by G.
Protein change: p.Pro996Arg; replaces proline 996 with arginine.
Molecular consequence: missense variant.
Genome position (GRCh38, 1-based): chr19:13,298,646, G>C on the plus strand (C>G on the coding strand, the complement: CACNA1A is on the minus strand). VCF-style: chr19-13298646-G-C. GRCh37 (hg19) VCF-style: chr19-13409460-G-C.
Other names: c.2999C>G, p.Pro1000Arg (NM_000068.4, NM_023035.3); c.2990C>G, p.Pro997Arg (NM_001127221.2, NM_001174080.2); short protein forms P996R, P997R, P1000R.
Identifiers: ClinVar variation 953701 (VCV000953701.10), dbSNP rs750356248, ClinGen allele CA404342307.